The following is an entry in ClinVar:

ClinVar aggregate classification (germline): Likely benign (0 of 4 stars; one submission).

Conditions:
EP300-related disorder. Also called: EP300-related disorders; EP300-related condition.

Allele frequency attached by ClinVar (database versions not stated): gnomAD exomes 0.00001; TOPMed 0.00001; gnomAD 0.00003.
gnomAD v4.1: 23 of 1,614,042 alleles (0.0014%); highest among the groups gnomAD compares: South Asian, 0.0022%; no homozygotes.

Submission:

PreventionGenetics, part of Exact Sciences
Classification: Likely benign for EP300-related condition. Last evaluated: 2023-01-09. Review status: no assertion criteria provided. Collection method: clinical testing. Allele origin: germline.
Comment: This variant is classified as likely benign based on ACMG/AMP sequence variant interpretation guidelines (Richards et al. 2015 PMID: 25741868, with internal and published modifications).

NM_001429.4(EP300):c.4734C>T (p.Asn1578=)

Gene: EP300 (E1A binding protein p300; plus strand). Cytogenetic location: 22q13.2.
Variant type: single nucleotide variant.
Coding change: c.4734C>T on transcript NM_001429.4 (MANE Select); coding-DNA position 4734, C replaced by T.
Protein change: p.Asn1578=; no amino-acid change (asparagine 1578 retained).
Molecular consequence: synonymous variant.
Genome position (GRCh38, 1-based): chr22:41,173,739, C>T. VCF-style: chr22-41173739-C-T. GRCh37 (hg19) VCF-style: chr22-41569743-C-T.
Other names: c.4656C>T, p.Asn1552= (NM_001362843.2).
Identifiers: ClinVar variation 3059840 (VCV003059840.2), dbSNP rs910758868, ClinGen allele CA324556018.